The following is an entry in ClinVar:

NM_002381.5(MATN3):c.137G>A (p.Gly46Asp)

Gene: MATN3 (matrilin 3; minus strand). Cytogenetic location: 2p24.1.
Variant type: single nucleotide variant.
Coding change: c.137G>A on transcript NM_002381.5 (MANE Select); coding-DNA position 137, G replaced by A.
Protein change: p.Gly46Asp; replaces glycine 46 with aspartic acid.
Molecular consequence: missense variant.
Genome position (GRCh38, 1-based): chr2:20,012,495, C>T on the plus strand (G>A on the coding strand, the complement: MATN3 is on the minus strand). VCF-style: chr2-20012495-C-T. GRCh37 (hg19) VCF-style: chr2-20212256-C-T.
Other names: short protein forms G46D.
Identifiers: ClinVar variation 3627783 (VCV003627783.2).

ClinVar aggregate classification (germline): Uncertain significance (1 of 4 stars; one submission).

Submission:

Labcorp Genetics (formerly Invitae), Labcorp
Classification: Uncertain significance. Last evaluated: 2024-03-25. Review status: criteria provided, single submitter. Criteria: Invitae Variant Classification Sherloc (09022015). Collection method: clinical testing. Allele origin: germline.
Comment: This sequence change replaces glycine, which is neutral and non-polar, with aspartic acid, which is acidic and polar, at codon 46 of the MATN3 protein (p.Gly46Asp). This variant is not present in population databases (gnomAD no frequency). This variant has not been reported in the literature in individuals affected with MATN3-related conditions. An algorithm developed to predict the effect of missense changes on protein structure and function (PolyPhen-2) suggests that this variant is likely to be disruptive. In summary, the available evidence is currently insufficient to determine the role of this variant in disease. Therefore, it has been classified as a Variant of Uncertain Significance.